The following is an entry in ClinVar:

ClinVar aggregate classification (germline): Uncertain significance (1 of 4 stars; one submission).

Conditions:
POLD1-related polyposis and colorectal cancer syndrome (CRCS10). Also called: Colorectal cancer 10; COLORECTAL CANCER, SUSCEPTIBILITY TO, ON CHROMOSOME 19q; Colorectal cancer, susceptibility to, 10. Identifiers: Orphanet 220460, MedGen C2675481, MONDO:0012953, OMIM 612591.

Submission:

Labcorp Genetics (formerly Invitae), Labcorp
Classification: Uncertain significance for POLD1-related polyposis and colorectal cancer syndrome. Last evaluated: 2022-02-10. Review status: criteria provided, single submitter. Criteria: Invitae Variant Classification Sherloc (09022015). Collection method: clinical testing. Allele origin: germline.
Comment: This variant has not been reported in the literature in individuals affected with POLD1-related conditions. This variant results in a copy number gain of the genomic region encompassing exon(s) 11-14 of the POLD1 gene. While the exact position of this variant cannot be determined from the data, sub-genic copy number gains are generally in tandem (PMID: 25640679). This variant is predicted to be out-of-frame, and may result in an absent or disrupted protein product. Missense variants that disrupt the 3'-5' exonuclease (proof-reading) activity of the POLD1 protein, are associated with an increased risk for colonic adenomatous polyps and colon cancer (PMID: 23263490, 23447401). However loss-of-function variants, which result in an absent or severely disrupted POLD1 protein, and missense variants outside the exonuclease domain, are unlikely to be associated with polyposis or colon cancer. Experimental studies and prediction algorithms are not available or were not evaluated, and the functional significance of this variant is currently unknown. In summary, the available evidence is currently insufficient to determine the role of this variant in disease. Therefore, it has been classified as a Variant of Uncertain Significance.

Literature cited by the submitters: PubMed 25640679; PubMed 23263490; PubMed 23447401.

NC_000019.10:g.(?_50406172)_(50407425_?)dup

Gene: POLD1 (DNA polymerase delta 1, catalytic subunit; plus strand). Cytogenetic location: 19q13.33.
Variant type: Duplication.
Identifiers: ClinVar variation 830548 (VCV000830548.8).